The following is an entry in ClinVar:

ClinVar aggregate classification (germline): Uncertain significance (1 of 4 stars; one submission).

Conditions:
Cardiovascular phenotype. Identifiers: MedGen CN230736.
Hereditary cancer-predisposing syndrome. Also called: Tumor predisposition; Hereditary neoplastic syndrome; Hereditary Cancer Syndrome; Neoplastic Syndromes, Hereditary. Identifiers: Orphanet 140162, MedGen C0027672, MeSH D009386, MONDO:0015356.

gnomAD v4.1: 1 of 1,585,634 alleles (0.000063%); highest among the groups gnomAD compares: Non-Finnish European, 0.000086%; no homozygotes.

Submission:

Ambry Genetics
Classification: Uncertain significance for Cardiovascular phenotype; Hereditary cancer-predisposing syndrome. Last evaluated: 2025-04-10. Review status: criteria provided, single submitter. Criteria: Ambry Variant Classification Scheme 2023. Collection method: clinical testing. Allele origin: germline.
Comment: The p.P491T variant (also known as c.1471C>A), located in coding exon 14 of the LZTR1 gene, results from a C to A substitution at nucleotide position 1471. The proline at codon 491 is replaced by threonine, an amino acid with highly similar properties. This amino acid position is conserved. In addition, this alteration is predicted to be tolerated by in silico analysis. Based on the available evidence, the clinical significance of this variant remains unclear.

NM_006767.4(LZTR1):c.1471C>A (p.Pro491Thr)

Gene: LZTR1 (leucine zipper like post translational regulator 1; plus strand). Cytogenetic location: 22q11.21.
Variant type: single nucleotide variant.
Coding change: c.1471C>A on transcript NM_006767.4 (MANE Select); coding-DNA position 1471, C replaced by A.
Protein change: p.Pro491Thr; replaces proline 491 with threonine.
Molecular consequence: missense variant.
Genome position (GRCh38, 1-based): chr22:20,994,125, C>A. VCF-style: chr22-20994125-C-A. GRCh37 (hg19) VCF-style: chr22-21348414-C-A.
Other names: short protein forms P491T.
Identifiers: ClinVar variation 3930651 (VCV003930651.1).